The following is an entry in ClinVar:

ClinVar aggregate classification (germline): Conflicting classifications of pathogenicity. Review status: criteria provided, conflicting classifications (1 of 4 stars). 4 submissions from 4 submitters: Likely pathogenic (2); Uncertain significance (2). Last evaluated 2026-07-01.

Conditions:
Glycogen storage disease, type II (IOPD). Also called: CARDIOMEGALIA GLYCOGENICA DIFFUSA; Glycogen storage disease type 2; Acid maltase deficiency disease; Aglucosidase alfa; Deficiency of alpha-glucosidase; Deficiency of lysosomal alpha-glucosidase. Identifiers: Orphanet 365, MedGen C0017921, MONDO:0009290, OMIM 232300.

Allele frequency attached by ClinVar (database versions not stated): gnomAD 0.00001.
gnomAD v4.1: 3 of 1,608,398 alleles (0.00019%); highest among the groups gnomAD compares: East Asian, 0.0067%; no homozygotes.

Submissions (4):

Genomenon, Inc
Classification: Uncertain significance for Glycogen storage disease, type II. Last evaluated: 2026-07-01. Review status: criteria provided, single submitter. Criteria: Genomenon Sequence Variant Interpretation Standards - Updated. Collection method: curation. Allele origin: germline. Affected: yes.
Comment: GAA p.Gly855Arg (c.2563G>C) is a missense variant that changes the amino acid at codon 855 from Glycine to Arginine. This variant has been observed in at least one proband with a GAA-related disorder in the compound heterozygous and/or homozygous state (PMID:40952111;28394184). It is absent or not present at a significant frequency in gnomAD. In silico models predict that this variant is possibly or probably damaging. In conclusion, we classify GAA p.Gly855Arg (c.2563G>C) as a variant of uncertain significance.

Natera, Inc.
Classification: Likely pathogenic for Glycogen storage disease type II. Last evaluated: 2025-09-02. Review status: criteria provided, single submitter. Criteria: Natera Variant Classification Schema (03/2026). Collection method: clinical testing. Allele origin: germline.
Comment: The c.2563G>C variant in GAA is a missense variant predicted to cause substitution of glycine to arginine at amino acid 855. This variant is rare in the general population with a frequency below the threshold expected for the associated phenotype(s). This variant has been observed in one or more individuals affected with the associated recessive disease, as either homozygous or compound heterozygous with a second variant (PMID: 28394184). This variant has been identified in one or more affected individual with a phenotype highly consistent with the associated gene (PMID: 28394184). Computational prediction algorithms indicate this variant is likely to affect gene or protein function. Given the available evidence, this variant is classified as Likely Pathogenic.

Labcorp Genetics (formerly Invitae), Labcorp
Classification: Likely pathogenic for Glycogen storage disease, type II. Last evaluated: 2024-02-09. Review status: criteria provided, single submitter. Criteria: Invitae Variant Classification Sherloc (09022015). Collection method: clinical testing. Allele origin: germline.
Comment: This sequence change replaces glycine, which is neutral and non-polar, with arginine, which is basic and polar, at codon 855 of the GAA protein (p.Gly855Arg). This variant is present in population databases (no rsID available, gnomAD 0.06%). This missense change has been observed in individual(s) with Pompe disease (PMID: 28394184). In at least one individual the data is consistent with being in trans (on the opposite chromosome) from a pathogenic variant. Advanced modeling of protein sequence and biophysical properties (such as structural, functional, and spatial information, amino acid conservation, physicochemical variation, residue mobility, and thermodynamic stability) performed at Invitae indicates that this missense variant is expected to disrupt GAA protein function with a positive predictive value of 95%. In summary, the currently available evidence indicates that the variant is pathogenic, but additional data are needed to prove that conclusively. Therefore, this variant has been classified as Likely Pathogenic.

Blueprint Genetics
Classification: Uncertain significance. Last evaluated: 2019-03-02. Review status: criteria provided, single submitter. Criteria: ACMG Guidelines, 2015. Collection method: clinical testing. Allele origin: germline.

Literature cited by the submitters: PubMed 40952111 (cited by Genomenon, Inc); PubMed 28394184 (cited by 3 submitters).

NM_000152.5(GAA):c.2563G>C (p.Gly855Arg)

Gene: GAA (alpha glucosidase; plus strand). Cytogenetic location: 17q25.3.
Variant type: single nucleotide variant.
Coding change: c.2563G>C on transcript NM_000152.5 (MANE Select); coding-DNA position 2563, G replaced by C.
Protein change: p.Gly855Arg; replaces glycine 855 with arginine.
Molecular consequence: missense variant.
Genome position (GRCh38, 1-based): chr17:80,118,274, G>C. VCF-style: chr17-80118274-G-C. GRCh37 (hg19) VCF-style: chr17-78092073-G-C.
Other names: c.2563G>C (NM_000152.4); c.2563G>C, p.Gly855Arg (NM_001079803.3, NM_001079804.3, NM_001406741.1 and 1 more transcripts); short protein forms G855R.
Identifiers: ClinVar variation 2736684 (VCV002736684.6), dbSNP rs1341804179, ClinGen allele CA401326195.